The following is an entry in ClinVar:

ClinVar aggregate classification (germline): Uncertain significance. Review status: criteria provided, multiple submitters, no conflicts (2 of 4 stars). 2 submissions from 2 submitters: Uncertain significance (2). Last evaluated 2025-10-28.

Conditions:
Idiopathic generalized epilepsy. Also called: Generalised epilepsy; EIG. Identifiers: MedGen C0270850, MONDO:0005579, OMIM 600669.
Hyperaldosteronism, familial, type IV (HALD4). Also called: FH IV; ALDOSTERONISM, PRIMARY, AND HYPERTENSION. Identifiers: Orphanet 642671, MedGen C4310756, MONDO:0014875, OMIM 617027.
Epilepsy, childhood absence, susceptibility to, 6. Identifiers: Orphanet 64280, MedGen C2749872, MONDO:0012763, OMIM 611942.

gnomAD v4.1: 5 of 1,613,328 alleles (0.00031%); highest among the groups gnomAD compares: Non-Finnish European, 0.00042%; no homozygotes.

Submissions (2):

Labcorp Genetics (formerly Invitae), Labcorp
Classification: Uncertain significance for Idiopathic generalized epilepsy; Hyperaldosteronism, familial, type IV. Last evaluated: 2025-10-28. Review status: criteria provided, single submitter. Criteria: Invitae Variant Classification Sherloc (09022015). Collection method: clinical testing. Allele origin: germline.
Comment: This sequence change replaces leucine, which is neutral and non-polar, with phenylalanine, which is neutral and non-polar, at codon 1006 of the CACNA1H protein (p.Leu1006Phe). This variant is not present in population databases (gnomAD no frequency). This variant has not been reported in the literature in individuals affected with CACNA1H-related conditions. ClinVar contains an entry for this variant (Variation ID: 1431837). Invitae Evidence Modeling of protein sequence and biophysical properties (such as structural, functional, and spatial information, amino acid conservation, physicochemical variation, residue mobility, and thermodynamic stability) indicates that this missense variant is expected to disrupt CACNA1H protein function with a positive predictive value of 80%. In summary, the available evidence is currently insufficient to determine the role of this variant in disease. Therefore, it has been classified as a Variant of Uncertain Significance.

Fulgent Genetics
Classification: Uncertain significance for Epilepsy, childhood absence, susceptibility to, 6; Hyperaldosteronism, familial, type IV. Last evaluated: 2024-03-14. Review status: criteria provided, single submitter. Criteria: ACMG Guidelines, 2015. Collection method: clinical testing. Allele origin: germline.

NM_021098.3(CACNA1H):c.3016C>T (p.Leu1006Phe)

Gene: CACNA1H (calcium voltage-gated channel subunit alpha1 H; plus strand). Cytogenetic location: 16p13.3.
Variant type: single nucleotide variant.
Coding change: c.3016C>T on transcript NM_021098.3 (MANE Select); coding-DNA position 3016, C replaced by T.
Protein change: p.Leu1006Phe; replaces leucine 1006 with phenylalanine.
Molecular consequence: missense variant.
Genome position (GRCh38, 1-based): chr16:1,207,383, C>T. VCF-style: chr16-1207383-C-T. GRCh37 (hg19) VCF-style: chr16-1257383-C-T.
Other names: c.3016C>T, p.Leu1006Phe (NM_001005407.2); short protein forms L1006F.
Identifiers: ClinVar variation 1431837 (VCV001431837.11), dbSNP rs1242224134, ClinGen allele CA394170457.